The following is an entry in ClinVar:

NM_058216.3(RAD51C):c.37G>C (p.Asp13His)

Gene: RAD51C (RAD51 paralog C; plus strand). Cytogenetic location: 17q22.
Variant type: single nucleotide variant.
Coding change: c.37G>C on transcript NM_058216.3 (MANE Select); coding-DNA position 37, G replaced by C.
Protein change: p.Asp13His; replaces aspartic acid 13 with histidine.
Molecular consequence: missense variant. On other transcripts: non-coding transcript variant (2).
Genome position (GRCh38, 1-based): chr17:58,692,680, G>C. VCF-style: chr17-58692680-G-C. GRCh37 (hg19) VCF-style: chr17-56770041-G-C.
Other names: c.37G>C, p.Asp13His (NM_002876.4); short protein forms D13H.
Identifiers: ClinVar variation 409863 (VCV000409863.8), dbSNP rs1060502603, ClinGen allele CA16615434.
Genomic context (GRCh38, chr17:58,692,680, plus strand): 5'-CCGGGGTTAGCAGGTGAGCCTGCGATGCGCGGGAAGACGTTCCGCTTTGAAATGCAGCGG[G>C]ATTTGGTGAGTTTCCCGCTGTCTCCAGCGGTGCGGGTGAAGCTGGTGTCTGCGGGGTTCC-3'
Protein context (NP_478123.1, residues 3-23): GKTFRFEMQR[Asp13His]LVSFPLSPAV

ClinVar aggregate classification (germline): Uncertain significance (1 of 4 stars; one submission).

Conditions:
Fanconi anemia complementation group O. Also called: RAD51C-Related Fanconi Anemia. Identifiers: Orphanet 84, MedGen C3150653, MONDO:0013248, OMIM 613390.

Submission:

Labcorp Genetics (formerly Invitae), Labcorp
Classification: Uncertain significance for Fanconi anemia complementation group O. Last evaluated: 2018-03-16. Review status: criteria provided, single submitter. Criteria: Invitae Variant Classification Sherloc (09022015). Collection method: clinical testing. Allele origin: germline.
Comment: In summary, the available evidence is currently insufficient to determine the role of this variant in disease. Therefore, it has been classified as a Variant of Uncertain Significance. Algorithms developed to predict the effect of missense changes on protein structure and function (SIFT, PolyPhen-2, Align-GVGD) all suggest that this variant is likely to be tolerated, but these predictions have not been confirmed by published functional studies and their clinical significance is uncertain. This variant has not been reported in the literature in individuals with RAD51C-related disease. ClinVar contains an entry for this variant (Variation ID: 409863). This variant is not present in population databases (ExAC no frequency). This sequence change replaces aspartic acid with histidine at codon 13 of the RAD51C protein (p.Asp13His). The aspartic acid residue is weakly conserved and there is a moderate physicochemical difference between aspartic acid and histidine.